The following is an entry in ClinVar:

ClinVar aggregate classification (germline): Uncertain significance (1 of 4 stars; one submission).

Conditions:
Charcot-Marie-Tooth disease dominant intermediate B (CMTDIB). Also called: Charcot-Marie-Tooth disease dominant intermediate 1; CMT DI1; Charcot-Marie-Tooth disease dominant intermediate I; CHARCOT-MARIE-TOOTH NEUROPATHY, DOMINANT INTERMEDIATE B. Identifiers: Orphanet 100044, Orphanet 228179, MedGen C1847902, MONDO:0011674, OMIM 606482.

Allele frequency attached by ClinVar (database versions not stated): gnomAD exomes below 0.00001.
gnomAD v4.1: 2 of 1,613,732 alleles (0.00012%); highest among the groups gnomAD compares: Middle Eastern, 0.017%; no homozygotes.

Submission:

Labcorp Genetics (formerly Invitae), Labcorp
Classification: Uncertain significance for Charcot-Marie-Tooth disease dominant intermediate B. Last evaluated: 2022-11-15. Review status: criteria provided, single submitter. Criteria: Invitae Variant Classification Sherloc (09022015). Collection method: clinical testing. Allele origin: germline.
Comment: In summary, the available evidence is currently insufficient to determine the role of this variant in disease. Therefore, it has been classified as a Variant of Uncertain Significance. This sequence change replaces glycine, which is neutral and non-polar, with serine, which is neutral and polar, at codon 779 of the DNM2 protein (p.Gly779Ser). This variant is not present in population databases (gnomAD no frequency). This variant has not been reported in the literature in individuals affected with DNM2-related conditions. Algorithms developed to predict the effect of missense changes on protein structure and function (SIFT, PolyPhen-2, Align-GVGD) all suggest that this variant is likely to be tolerated.

NM_001005361.3(DNM2):c.2335G>A (p.Gly779Ser)

Gene: DNM2 (dynamin 2; plus strand). Cytogenetic location: 19p13.2.
Variant type: single nucleotide variant.
Coding change: c.2335G>A on transcript NM_001005361.3 (MANE Select); coding-DNA position 2335, G replaced by A.
Protein change: p.Gly779Ser; replaces glycine 779 with serine.
Molecular consequence: missense variant.
Genome position (GRCh38, 1-based): chr19:10,830,170, G>A. VCF-style: chr19-10830170-G-A. GRCh37 (hg19) VCF-style: chr19-10940846-G-A.
Other names: c.2335G>A, p.Gly779Ser (NM_001005360.3, NM_001190716.2); c.2323G>A, p.Gly775Ser (NM_001005362.3, NM_004945.4); short protein forms G775S, G779S.
Identifiers: ClinVar variation 3006659 (VCV003006659.3), dbSNP rs2146209807, ClinGen allele CA404043707.